The following is an entry in ClinVar:

NM_005120.3(MED12):c.4618-11G>A

Gene: MED12 (mediator complex subunit 12; plus strand). Cytogenetic location: Xq13.1.
Variant type: single nucleotide variant.
Coding change: c.4618-11G>A on transcript NM_005120.3 (MANE Select); 11 bases into the intron before coding-DNA position 4618, G replaced by A.
Molecular consequence: intron variant.
Genome position (GRCh38, 1-based): chrX:71,134,346, G>A. VCF-style: chrX-71134346-G-A. GRCh37 (hg19) VCF-style: chrX-70354196-G-A.
Identifiers: ClinVar variation 3897379 (VCV003897379.1).

ClinVar aggregate classification (germline): Uncertain significance (1 of 4 stars; one submission).

Submission:

GeneDx
Classification: Uncertain significance. Last evaluated: 2024-11-01. Review status: criteria provided, single submitter. Criteria: GeneDx Variant Classification Process June 2021. Collection method: clinical testing. Allele origin: germline. Affected: yes.
Comment: Not observed at significant frequency in large population cohorts (gnomAD); In silico analysis supports a deleterious effect on splicing; Has not been previously published as pathogenic or benign to our knowledge